The following is an entry in ClinVar:

NM_007373.4(SHOC2):c.1439A>C (p.Asn480Thr)

Gene: SHOC2 (SHOC2 leucine rich repeat scaffold protein; plus strand). Cytogenetic location: 10q25.2.
Variant type: single nucleotide variant.
Coding change: c.1439A>C on transcript NM_007373.4 (MANE Select); coding-DNA position 1439, A replaced by C.
Protein change: p.Asn480Thr; replaces asparagine 480 with threonine.
Molecular consequence: missense variant. On other transcripts: non-coding transcript variant (1).
Genome position (GRCh38, 1-based): chr10:111,009,729, A>C. VCF-style: chr10-111009729-A-C. GRCh37 (hg19) VCF-style: chr10-112769487-A-C.
Other names: c.1301A>C, p.Asn434Thr (NM_001269039.3); c.1439A>C, p.Asn480Thr (NM_001324336.2, NM_001324337.2); short protein forms N434T, N480T.
Identifiers: ClinVar variation 976139 (VCV000976139.11), dbSNP rs995403413, ClinGen allele CA213914676.

ClinVar aggregate classification (germline): Conflicting classifications of pathogenicity. Review status: criteria provided, conflicting classifications (1 of 4 stars). 4 submissions from 4 submitters: Uncertain significance (3); Likely benign (1). Last evaluated 2025-11-03.

Conditions:
Noonan syndrome-like disorder with loose anagen hair 1 (NSLH1). Also called: MAZZANTI SYNDROME; TOSTI SYNDROME. Identifiers: Orphanet 2701, MedGen C4478716, MONDO:0054637, OMIM 607721.
Cardiovascular phenotype. Identifiers: MedGen CN230736.
RASopathy. Also called: rasopathies; Noonan spectrum disorder. Identifiers: Orphanet 536391, MedGen C5555857, MONDO:0021060.

Allele frequency attached by ClinVar (database versions not stated): gnomAD exomes below 0.00001; gnomAD 0.00001; TOPMed 0.00001.
gnomAD v4.1: 2 of 1,609,200 alleles (0.00012%); highest among the groups gnomAD compares: African/African-American, 0.0013%; no homozygotes.

Submissions (4):

Institute of Human Genetics, University of Leipzig Medical Center
Classification: Likely benign for Noonan syndrome-like disorder with loose anagen hair 1. Last evaluated: 2025-11-03. Review status: criteria provided, single submitter. Criteria: ACMG Guidelines, 2015. Collection method: clinical testing. Allele origin: de novo. Inheritance: Autosomal dominant inheritance. Affected: no.
Comment: Criteria applied: PS2_MOD,PP2,BS2,BP4

Labcorp Genetics (formerly Invitae), Labcorp
Classification: Uncertain significance for RASopathy. Last evaluated: 2022-03-27. Review status: criteria provided, single submitter. Criteria: Invitae Variant Classification Sherloc (09022015). Collection method: clinical testing. Allele origin: germline.
Comment: In summary, the available evidence is currently insufficient to determine the role of this variant in disease. Therefore, it has been classified as a Variant of Uncertain Significance. Algorithms developed to predict the effect of missense changes on protein structure and function are either unavailable or do not agree on the potential impact of this missense change (SIFT: "Tolerated"; PolyPhen-2: "Possibly Damaging"; Align-GVGD: "Class C0"). ClinVar contains an entry for this variant (Variation ID: 976139). This variant has not been reported in the literature in individuals affected with SHOC2-related conditions. This variant is not present in population databases (gnomAD no frequency). This sequence change replaces asparagine, which is neutral and polar, with threonine, which is neutral and polar, at codon 480 of the SHOC2 protein (p.Asn480Thr).

Ambry Genetics
Classification: Uncertain significance for Cardiovascular phenotype. Last evaluated: 2022-01-19. Review status: criteria provided, single submitter. Criteria: Ambry Variant Classification Scheme 2023. Collection method: clinical testing. Allele origin: germline.
Comment: The p.N480T variant (also known as c.1439A>C), located in coding exon 7 of the SHOC2 gene, results from an A to C substitution at nucleotide position 1439. The asparagine at codon 480 is replaced by threonine, an amino acid with similar properties. This amino acid position is conserved. In addition, this alteration is predicted to be tolerated by in silico analysis. Since supporting evidence is limited at this time, the clinical significance of this alteration remains unclear.

HudsonAlpha Institute for Biotechnology
Classification: Uncertain significance for Noonan syndrome-like disorder with loose anagen hair 1. Last evaluated: 2021-05-13. Review status: criteria provided, single submitter. Criteria: ACMG Guidelines, 2015. Collection method: research. Allele origin: paternal. Observed: 1 variant allele. Study: CSER-SouthSeq.
Comment: ACMG codes: PM2